The following is an entry in ClinVar:

ClinVar aggregate classification (germline): Benign. Review status: criteria provided, single submitter (1 of 4 stars). 3 submissions from 3 submitters: Benign (1). 2 of the submissions do not count toward it. Last evaluated 2026-01-19.

Conditions:
SLC4A11-related disorder. Also called: SLC4A11-related condition.
Corneal dystrophy-perceptive deafness syndrome (CDPD). Also called: HARBOYAN SYNDROME; CORNEAL DYSTROPHY AND SENSORINEURAL DEAFNESS. Identifiers: Orphanet 1490, MedGen C1857572, MONDO:0009015, OMIM 217400.

Allele frequency attached by ClinVar (database versions not stated): ESP Exome Variant Server 0.00092; gnomAD 0.00092 and 0.00099; TOPMed 0.00101; 1000 Genomes Project 0.00120; 1000 Genomes Project 30x 0.00156.

Submissions (3):

Labcorp Genetics (formerly Invitae), Labcorp
Classification: Benign. Last evaluated: 2026-01-19. Review status: criteria provided, single submitter. Criteria: Invitae Variant Classification Sherloc (09022015). Collection method: clinical testing. Allele origin: germline.

Natera, Inc.
Classification: Benign for Harboyan syndrome. Last evaluated: 2020-09-16. Review status: no assertion criteria provided. Collection method: clinical testing. Allele origin: germline. Not counted in ClinVar's aggregate classification.

PreventionGenetics, part of Exact Sciences
Classification: Likely benign for SLC4A11-related condition. Last evaluated: 2019-03-29. Review status: no assertion criteria provided. Collection method: clinical testing. Allele origin: germline. Not counted in ClinVar's aggregate classification.
Comment: This variant is classified as likely benign based on ACMG/AMP sequence variant interpretation guidelines (Richards et al. 2015 PMID: 25741868, with internal and published modifications).

NM_001174089.2(SLC4A11):c.44-8C>G

Gene: SLC4A11 (solute carrier family 4 member 11; minus strand). Cytogenetic location: 20p13.
Variant type: single nucleotide variant.
Coding change: c.44-8C>G on transcript NM_001174089.2 (MANE Select); 8 bases into the intron before coding-DNA position 44, C replaced by G.
Molecular consequence: intron variant. On other transcripts: synonymous variant (1).
Genome position (GRCh38, 1-based): chr20:3,237,596, G>C on the plus strand (C>G on the coding strand, the complement: SLC4A11 is on the minus strand). VCF-style: chr20-3237596-G-C. GRCh37 (hg19) VCF-style: chr20-3218242-G-C.
Other names: c.84C>G, p.Ser28= (NM_032034.4); c.44-8C>G (NM_001363745.2); c.173-8C>G (NM_001174090.2).
Identifiers: ClinVar variation 736308 (VCV000736308.14), dbSNP rs146575952, ClinGen allele CA9742482.
Genomic context (GRCh38, chr20:3,237,596, plus strand): 5'-GTACTCACTTGAATCCTCGAAGTATCCATTCTGCGACATGGTGGGAGAGTTTTCTGCAAG[G>C]GAAGCAGAAAGGTCACCAGCCCCATGGACCAAGCCCTGGACCTCCTGTGTGCACCTGTCT-3'